The following is an entry in ClinVar:

NM_001242882.2(NAXD):c.838G>A (p.Gly280Arg)

Gene: NAXD (NAD(P)HX dehydratase; plus strand). Cytogenetic location: 13q34.
Variant type: single nucleotide variant.
Coding change: c.838G>A on transcript NM_001242882.2 (MANE Select); coding-DNA position 838, G replaced by A.
Protein change: p.Gly280Arg; replaces glycine 280 with arginine.
Molecular consequence: missense variant. On other transcripts: non-coding transcript variant (2).
Genome position (GRCh38, 1-based): chr13:110,637,248, G>A. VCF-style: chr13-110637248-G-A. GRCh37 (hg19) VCF-style: chr13-111289595-G-A.
Other names: c.892G>A, p.Gly298Arg (NM_001242881.2, NM_018210.4); c.562G>A, p.Gly188Arg (NM_001242883.2); short protein forms G280R, G298R, G188R.
Identifiers: ClinVar variation 1985662 (VCV001985662.4), dbSNP rs770681179, ClinGen allele CA7051371.
Genomic context (GRCh38, chr13:110,637,248, plus strand): 5'-TCGGGCTCCCTGGGCGTCCTGGTACACTGGGCGCTCCTTGCTGGACCACAGAAAACAAAT[G>A]GGTAAGGCCACGTCTTCATTTATTCTACTTTGAAACCGTCTGATTTTTCTAAGCTGTTTC-3'
Protein context (NP_001229811.1, residues 270-290): ALLAGPQKTN[Gly280Arg]SSPLLVAAFG

ClinVar aggregate classification (germline): Uncertain significance (1 of 4 stars; one submission).

Allele frequency attached by ClinVar (database versions not stated): gnomAD exomes 0.00003; TOPMed 0.00004; ExAC 0.00007.

Submission:

Labcorp Genetics (formerly Invitae), Labcorp
Classification: Uncertain significance. Last evaluated: 2022-05-15. Review status: criteria provided, single submitter. Criteria: Invitae Variant Classification Sherloc (09022015). Collection method: clinical testing. Allele origin: germline.
Comment: In summary, the available evidence is currently insufficient to determine the role of this variant in disease. Therefore, it has been classified as a Variant of Uncertain Significance. Algorithms developed to predict the effect of missense changes on protein structure and function are either unavailable or do not agree on the potential impact of this missense change (SIFT: "Tolerated"; PolyPhen-2: "Possibly Damaging"; Align-GVGD: "Class C0"). This variant has not been reported in the literature in individuals affected with NAXD-related conditions. This variant is present in population databases (rs770681179, gnomAD 0.05%). This sequence change replaces glycine, which is neutral and non-polar, with arginine, which is basic and polar, at codon 298 of the NAXD protein (p.Gly298Arg).